The following is an entry in ClinVar:

ClinVar aggregate classification (germline): Uncertain significance (1 of 4 stars; one submission).

Conditions:
Fanconi anemia (FA). Also called: Fanconi's anemia. Identifiers: Orphanet 84, MedGen C0015625, MeSH D005199, MONDO:0019391.

Submission:

Labcorp Genetics (formerly Invitae), Labcorp
Classification: Uncertain significance for Fanconi anemia. Last evaluated: 2022-05-25. Review status: criteria provided, single submitter. Criteria: Invitae Variant Classification Sherloc (09022015). Collection method: clinical testing. Allele origin: germline.
Comment: In summary, the available evidence is currently insufficient to determine the role of this variant in disease. Therefore, it has been classified as a Variant of Uncertain Significance. Algorithms developed to predict the effect of sequence changes on RNA splicing suggest that this variant may disrupt the consensus splice site. Algorithms developed to predict the effect of missense changes on protein structure and function output the following: SIFT: "Tolerated"; PolyPhen-2: "Benign"; Align-GVGD: "Class C0". The valine amino acid residue is found in multiple mammalian species, which suggests that this missense change does not adversely affect protein function. This variant has not been reported in the literature in individuals affected with FANCI-related conditions. This variant is not present in population databases (gnomAD no frequency). This sequence change replaces isoleucine, which is neutral and non-polar, with valine, which is neutral and non-polar, at codon 68 of the FANCI protein (p.Ile68Val).

NM_001113378.2(FANCI):c.202A>G (p.Ile68Val)

Gene: FANCI (FA complementation group I; plus strand). Cytogenetic location: 15q26.1.
Variant type: single nucleotide variant.
Coding change: c.202A>G on transcript NM_001113378.2 (MANE Select); coding-DNA position 202, A replaced by G.
Protein change: p.Ile68Val; replaces isoleucine 68 with valine.
Molecular consequence: missense variant. On other transcripts: 5 prime UTR variant (1).
Genome position (GRCh38, 1-based): chr15:89,260,757, A>G. VCF-style: chr15-89260757-A-G. GRCh37 (hg19) VCF-style: chr15-89803988-A-G.
Other names: c.-78A>G (NM_001376910.1); c.202A>G, p.Ile68Val (NM_001376911.1, NM_018193.3); short protein forms I68V.
Identifiers: ClinVar variation 1998759 (VCV001998759.4), dbSNP rs2505878826, ClinGen allele CA393737869.
Genomic context (GRCh38, chr15:89,260,757, plus strand): 5'-TGTTTAAAACAATAAGGTTCCCCCTGCTCTGAGGAAGCTGGAACACTTAGGAGACGTAAG[A>G]TATACACTTGTTGTATCCAGTTGGTGGAATCGGGGGATTTGCAGAAAGAAATAGCGTCTG-3'
Protein context (NP_001106849.1, residues 58-78): EEAGTLRRRK[Ile68Val]YTCCIQLVES